The following is an entry in ClinVar:

ClinVar aggregate classification (germline): Uncertain significance (1 of 4 stars; one submission).

Allele frequency attached by ClinVar (database versions not stated): gnomAD 0.00001; gnomAD exomes 0.00001 and 0.00002; TOPMed 0.00001; ExAC 0.00002.
gnomAD v4.1: 15 of 1,613,736 alleles (0.00093%); highest among the groups gnomAD compares: South Asian, 0.0077%; 1 homozygote.

Submission:

Labcorp Genetics (formerly Invitae), Labcorp
Classification: Uncertain significance. Last evaluated: 2024-11-05. Review status: criteria provided, single submitter. Criteria: Invitae Variant Classification Sherloc (09022015). Collection method: clinical testing. Allele origin: germline.
Comment: This sequence change replaces valine, which is neutral and non-polar, with isoleucine, which is neutral and non-polar, at codon 821 of the TUBGCP6 protein (p.Val821Ile). This variant is present in population databases (rs780266514, gnomAD 0.02%). This variant has not been reported in the literature in individuals affected with TUBGCP6-related conditions. ClinVar contains an entry for this variant (Variation ID: 1061612). An algorithm developed to predict the effect of missense changes on protein structure and function outputs the following: PolyPhen-2: "Benign". The isoleucine amino acid residue is found in multiple mammalian species, which suggests that this missense change does not adversely affect protein function. In summary, the available evidence is currently insufficient to determine the role of this variant in disease. Therefore, it has been classified as a Variant of Uncertain Significance.

NM_020461.4(TUBGCP6):c.2461G>A (p.Val821Ile)

Gene: TUBGCP6 (tubulin gamma complex component 6; minus strand). Cytogenetic location: 22q13.33.
Variant type: single nucleotide variant.
Coding change: c.2461G>A on transcript NM_020461.4 (MANE Select); coding-DNA position 2461, G replaced by A.
Protein change: p.Val821Ile; replaces valine 821 with isoleucine.
Molecular consequence: missense variant.
Genome position (GRCh38, 1-based): chr22:50,222,051, C>T on the plus strand (G>A on the coding strand, the complement: TUBGCP6 is on the minus strand). VCF-style: chr22-50222051-C-T. GRCh37 (hg19) VCF-style: chr22-50660480-C-T.
Other names: short protein forms V821I.
Identifiers: ClinVar variation 1061612 (VCV001061612.8), dbSNP rs780266514, ClinGen allele CA10308216.